The following is an entry in ClinVar:

NM_024809.5(TCTN2):c.1391C>T (p.Ser464Leu)

Gene: TCTN2 (tectonic family member 2; plus strand). Cytogenetic location: 12q24.31.
Variant type: single nucleotide variant.
Coding change: c.1391C>T on transcript NM_024809.5 (MANE Select); coding-DNA position 1391, C replaced by T.
Protein change: p.Ser464Leu; replaces serine 464 with leucine.
Molecular consequence: missense variant.
Genome position (GRCh38, 1-based): chr12:123,696,493, C>T. VCF-style: chr12-123696493-C-T. GRCh37 (hg19) VCF-style: chr12-124181040-C-T.
Other names: c.1388C>T, p.Ser463Leu (NM_001143850.3); short protein forms S464L, S463L.
Identifiers: ClinVar variation 1361314 (VCV001361314.7), dbSNP rs991572501, ClinGen allele CA245166149.

ClinVar aggregate classification (germline): Uncertain significance (1 of 4 stars; one submission).

Conditions:
Joubert syndrome. Also called: CEREBELLOPARENCHYMAL DISORDER IV; JOUBERT-BOLTSHAUSER SYNDROME; Familial aplasia of the vermis. Identifiers: Orphanet 475, MedGen C5979921, MONDO:0018772.
Meckel-Gruber syndrome. Also called: DYSENCEPHALIA SPLANCHNOCYSTICA; GRUBER SYNDROME; Dysencephalia splachnocystica. Identifiers: Orphanet 564, MedGen C0265215, MONDO:0018921.

Allele frequency attached by ClinVar (database versions not stated): gnomAD exomes below 0.00001 and 0.00001; gnomAD 0.00001; TOPMed 0.00001.
gnomAD v4.1: 13 of 1,613,672 alleles (0.00081%); highest among the groups gnomAD compares: South Asian, 0.0055%; no homozygotes.

Submission:

Labcorp Genetics (formerly Invitae), Labcorp
Classification: Uncertain significance for Joubert syndrome; Meckel-Gruber syndrome. Last evaluated: 2024-02-23. Review status: criteria provided, single submitter. Criteria: Invitae Variant Classification Sherloc (09022015). Collection method: clinical testing. Allele origin: germline.
Comment: This sequence change replaces serine, which is neutral and polar, with leucine, which is neutral and non-polar, at codon 464 of the TCTN2 protein (p.Ser464Leu). This variant is present in population databases (no rsID available, gnomAD 0.0009%). This variant has not been reported in the literature in individuals affected with TCTN2-related conditions. ClinVar contains an entry for this variant (Variation ID: 1361314). An algorithm developed to predict the effect of missense changes on protein structure and function (PolyPhen-2) suggests that this variant¬¨‚Ä†is likely to be tolerated. Algorithms developed to predict the effect of sequence changes on RNA splicing suggest that this variant may disrupt the consensus splice site. In summary, the available evidence is currently insufficient to determine the role of this variant in disease. Therefore, it has been classified as a Variant of Uncertain Significance.